The following is an entry in ClinVar:

ClinVar aggregate classification (germline): Likely benign (1 of 4 stars; one submission).

Conditions:
Vitelliform macular dystrophy 2. Also called: Best vitelliform macular dystrophy, multifocal; Best Macular Dystrophy; Best Vitelliform Macular Dystrophy (BVMD); VITELLIFORM MACULAR DYSTROPHY, EARLY-ONSET; VITELLIFORM MACULAR DYSTROPHY, JUVENILE-ONSET; MACULAR DEGENERATION, POLYMORPHIC VITELLINE. Identifiers: Orphanet 1243, MedGen C2745945, MONDO:0007931, OMIM 153700.

Submission:

Victorian Clinical Genetics Services, Murdoch Childrens Research Institute
Classification: Likely benign for Vitelliform macular dystrophy 2. Last evaluated: 2020-05-21. Review status: criteria provided, single submitter. Criteria: ACMG Guidelines, 2015. Collection method: clinical testing. Allele origin: germline. Inheritance: Autosomal recessive inheritance.
Comment: Based on the classification scheme VCGS_Germline_v1.1.1, this variant is classified as likely benign. Following criteria are met: 0102 - Loss-of-function is a known mechanism of disease for this gene. (N) 0104 - Dominant Negative is a mechanism of disease for this gene. (N) 0108 - This gene is known to be associated with both recessive and dominant disease. Dominant disease is caused by dominant negative missense, while recessive disease is caused by loss of function missense and PTCs (OMIM, PMID: 29668979). (N) 0200 - Variant is predicted to result in a missense amino acid change from alanine to glycine (exon 7). (N) 0251 - Variant is heterozygous. (N) 0304 - Variant is present in gnomAD <0.01 (9 heterozygous, 0 homozygous). (P) 0309 - An alternative amino acid change at the same position has also been observed in gnomAD (7 heterozygous, 1 homozygote). (N) 0503 - Missense variant consistently predicted to be tolerated or not conserved in mammals with a minor amino acid change. (B) 0504 - Same amino acid change has been observed in mammals. (B) 0604 - Variant is not located in an established domain, motif, hotspot or informative constraint region. (N) 0705 - No comparable variants have previous evidence for pathogenicity. (N) 0807 - Variant has not previously been reported in a clinical context. (N) 0905 - No segregation evidence has been identified for this variant. (N) 1007 - No published functional evidence has been identified for this variant in the literature. (N) 1208 - Inheritance information for this variant is not currently available. (N) Legend: (P) - Pathogenic, (N) - Neutral, (B) - Benign

Literature cited by the submitters: PubMed 29668979.

NM_004183.4(BEST1):c.867+122C>G

Gene: BEST1 (bestrophin 1; plus strand). Cytogenetic location: 11q12.3.
Variant type: single nucleotide variant.
Coding change: c.867+122C>G on transcript NM_004183.4 (MANE Select); 122 bases into the intron after coding-DNA position 867, C replaced by G.
Molecular consequence: intron variant. On other transcripts: missense variant (1), 5 prime UTR variant (1), non-coding transcript variant (1).
Genome position (GRCh38, 1-based): chr11:61,958,420, C>G. VCF-style: chr11-61958420-C-G. GRCh37 (hg19) VCF-style: chr11-61725892-C-G.
Other names: c.989C>G, p.Ala330Gly (NM_001363592.2); c.-187C>G (NM_001363593.3); c.867+122C>G (NM_001440571.1, NM_001440572.1); c.714+956C>G (NM_001440573.1); c.687+122C>G (NM_001139443.3, NM_001300787.2, NM_001440574.1 and 1 more transcripts); c.534+956C>G (NM_001440575.1, NM_001440576.1); c.549+122C>G (NM_001363591.3); short protein forms A330G.
Identifiers: ClinVar variation 3377462 (VCV003377462.1).